The following is an entry in ClinVar:

ClinVar aggregate classification (germline): Likely pathogenic (1 of 4 stars; one submission).

Conditions:
Early-infantile DEE. Also called: Ohtahara syndrome; Early infantile epileptic encephalopathy with suppression bursts; Early infantile epileptic encephalopathy. Identifiers: Orphanet 1934, MedGen C0393706, MONDO:0800491.

Submission:

Labcorp Genetics (formerly Invitae), Labcorp
Classification: Likely pathogenic for Early-infantile DEE. Last evaluated: 2019-12-16. Review status: criteria provided, single submitter. Criteria: Invitae Variant Classification Sherloc (09022015). Collection method: clinical testing. Allele origin: germline.
Comment: Algorithms developed to predict the effect of missense changes on protein structure and function (SIFT, PolyPhen-2, Align-GVGD) all suggest that this variant is likely to be disruptive, but these predictions have not been confirmed by published functional studies and their clinical significance is uncertain. This variant has been observed in individual(s) with epileptic encephalopathy (Invitae). In at least one individual the variant was observed to be de novo. This variant is not present in population databases (ExAC no frequency). This sequence change replaces alanine with glycine at codon 1919 of the SCN1A protein (p.Ala1919Gly). The alanine residue is highly conserved and there is a small physicochemical difference between alanine and glycine. In summary, the currently available evidence indicates that the variant is pathogenic, but additional data are needed to prove that conclusively. Therefore, this variant has been classified as Likely Pathogenic.

NM_001165963.4(SCN1A):c.5756C>G (p.Ala1919Gly)

Genes: SCN1A (sodium voltage-gated channel alpha subunit 1; minus strand), LOC102724058 (uncharacterized LOC102724058; plus strand). Cytogenetic location: 2q24.3.
Variant type: single nucleotide variant.
Coding change: c.5756C>G on transcript NM_001165963.4 (MANE Select); coding-DNA position 5756, C replaced by G.
Protein change: p.Ala1919Gly; replaces alanine 1919 with glycine.
Molecular consequence: missense variant. On other transcripts: non-coding transcript variant (1).
Genome position (GRCh38, 1-based): chr2:165,991,519, G>C on the plus strand (C>G on the coding strand, the complement: SCN1A is on the minus strand). VCF-style: chr2-165991519-G-C. GRCh37 (hg19) VCF-style: chr2-166848029-G-C.
Other names: c.5672C>G, p.Ala1891Gly (NM_001165964.3, NM_001353957.2, NM_001353958.2); c.5756C>G, p.Ala1919Gly (NM_001202435.3, NM_001353948.2); c.5723C>G, p.Ala1908Gly (NM_001353949.2, NM_001353950.2, NM_001353951.2 and 2 more transcripts); c.5720C>G, p.Ala1907Gly (NM_001353954.2, NM_001353955.2); c.5669C>G, p.Ala1890Gly (NM_001353960.2); c.3314C>G, p.Ala1105Gly (NM_001353961.2); short protein forms A1907G, A1908G, A1891G, A1105G, A1890G, A1919G.
Identifiers: ClinVar variation 848734 (VCV000848734.10), dbSNP rs1689142827, ClinGen allele CA349064158.